The following is an entry in ClinVar:

NM_002432.3(MNDA):c.910A>G (p.Asn304Asp)

Gene: MNDA (myeloid cell nuclear differentiation antigen; plus strand). Cytogenetic location: 1q23.1.
Variant type: single nucleotide variant.
Coding change: c.910A>G on transcript NM_002432.3 (MANE Select); coding-DNA position 910, A replaced by G.
Protein change: p.Asn304Asp; replaces asparagine 304 with aspartic acid.
Molecular consequence: missense variant.
Genome position (GRCh38, 1-based): chr1:158,845,926, A>G. VCF-style: chr1-158845926-A-G. GRCh37 (hg19) VCF-style: chr1-158815716-A-G.
Other names: short protein forms N304D.
Identifiers: ClinVar variation 1765832 (VCV001765832.3), dbSNP rs2526088207, ClinGen allele CA343042269.

ClinVar aggregate classification (germline): Uncertain significance (1 of 4 stars; one submission).

Submission:

Ambry Genetics
Classification: Uncertain significance. Last evaluated: 2024-07-15. Review status: criteria provided, single submitter. Criteria: Ambry Variant Classification Scheme 2023. Collection method: clinical testing. Allele origin: germline.
Comment: The p.N304D variant (also known as c.910A>G), located in coding exon 4 of the MNDA gene, results from an A to G substitution at nucleotide position 910. The asparagine at codon 304 is replaced by aspartic acid, an amino acid with highly similar properties. This amino acid position is conserved. In addition, this alteration is predicted to be tolerated by in silico analysis. Since supporting evidence is limited at this time, the clinical significance of this alteration remains unclear.